The following is an entry in ClinVar:

ClinVar aggregate classification (germline): Uncertain significance (1 of 4 stars; one submission).

Conditions:
Inborn genetic diseases. Identifiers: MedGen C0950123, MeSH D030342.

Submission:

Ambry Genetics
Classification: Uncertain significance for Inborn genetic diseases. Last evaluated: 2024-04-06. Review status: criteria provided, single submitter. Criteria: Ambry Variant Classification Scheme 2023. Collection method: clinical testing. Allele origin: germline.
Comment: The p.S2460F variant (also known as c.7379C>T), located in coding exon 44 of the ATR gene, results from a C to T substitution at nucleotide position 7379. The serine at codon 2460 is replaced by phenylalanine, an amino acid with highly dissimilar properties. This amino acid position is conserved. In addition, this alteration is predicted to be deleterious by in silico analysis. Based on the available evidence, the clinical significance of this variant remains unclear.

NM_001184.4(ATR):c.7379C>T (p.Ser2460Phe)

Gene: ATR (ATR serine/threonine kinase; minus strand). Cytogenetic location: 3q23.
Variant type: single nucleotide variant.
Coding change: c.7379C>T on transcript NM_001184.4 (MANE Select); coding-DNA position 7379, C replaced by T.
Protein change: p.Ser2460Phe; replaces serine 2460 with phenylalanine.
Molecular consequence: missense variant.
Genome position (GRCh38, 1-based): chr3:142,459,082, G>A on the plus strand (C>T on the coding strand, the complement: ATR is on the minus strand). VCF-style: chr3-142459082-G-A. GRCh37 (hg19) VCF-style: chr3-142177924-G-A.
Other names: c.7187C>T, p.Ser2396Phe (NM_001354579.2); short protein forms S2396F, S2460F.
Identifiers: ClinVar variation 3331502 (VCV003331502.1).